The following is an entry in ClinVar:

ClinVar aggregate classification (germline): Pathogenic/Likely pathogenic. Review status: criteria provided, multiple submitters, no conflicts (2 of 4 stars). 2 submissions from 2 submitters: Pathogenic (1); Likely pathogenic (1). Last evaluated 2024-05-16.

Conditions:
Hypercalcemia, infantile, 1 (HCINF1). Identifiers: Orphanet 300547, MedGen CN031131, MONDO:0020739, OMIM 143880.

Submissions (2):

Fulgent Genetics
Classification: Likely pathogenic for Hypercalcemia, infantile, 1. Last evaluated: 2024-05-16. Review status: criteria provided, single submitter. Criteria: ACMG Guidelines, 2015. Collection method: clinical testing. Allele origin: germline.

Labcorp Genetics (formerly Invitae), Labcorp
Classification: Pathogenic. Last evaluated: 2023-01-15. Review status: criteria provided, single submitter. Criteria: Invitae Variant Classification Sherloc (09022015). Collection method: clinical testing. Allele origin: germline.
Comment: This sequence change creates a premature translational stop signal (p.Leu227Serfs*10) in the CYP24A1 gene. It is expected to result in an absent or disrupted protein product. Loss-of-function variants in CYP24A1 are known to be pathogenic (PMID: 21675912). This variant is present in population databases (rs751526033, gnomAD 0.01%). This variant has not been reported in the literature in individuals affected with CYP24A1-related conditions. For these reasons, this variant has been classified as Pathogenic.

Literature cited by the submitters: PubMed 21675912 (cited by Labcorp Genetics (formerly Invitae), Labcorp).

NM_000782.5(CYP24A1):c.678del (p.Leu227fs)

Gene: CYP24A1 (cytochrome P450 family 24 subfamily A member 1; minus strand). Cytogenetic location: 20q13.2.
Variant type: Deletion.
Coding change: c.678del on transcript NM_000782.5 (MANE Select); coding-DNA position 678, one base deleted (T; older notation c.678delT).
Protein change: p.Leu227fs; shifts the reading frame from leucine 227.
Molecular consequence: frameshift variant.
Genome position (GRCh38, 1-based): chr20:54,165,796, A deleted on the plus strand (T on the coding strand, the reverse complement: CYP24A1 is on the minus strand); the first of 2 consecutive A bases (chr20:54,165,796-54,165,797); deleting either gives the same sequence. VCF-style (leftmost placement, unchanged base first): chr20-54165795-GA-G. GRCh37 (hg19) VCF-style: chr20-52782334-GA-G.
Other names: c.678del, p.Leu227fs (NM_001128915.2, NM_001424340.1, NM_001424341.1 and 2 more transcripts); short protein forms L227fs.
Identifiers: ClinVar variation 2869485 (VCV002869485.4), dbSNP rs751526033, ClinGen allele CA9916046.